The following is an entry in ClinVar:

ClinVar aggregate classification (germline): Uncertain significance. Review status: criteria provided, multiple submitters, no conflicts (2 of 4 stars). 2 submissions from 2 submitters: Uncertain significance (2). Last evaluated 2023-12-13.

Conditions:
Familial thoracic aortic aneurysm and aortic dissection (TAAD). Also called: Thoracic aortic aneurysms and dissections. Identifiers: Orphanet 91387, MedGen C4707243, MONDO:0019625.
Ehlers-Danlos syndrome, type 4 (EDSVASC). Also called: Ehlers-Danlos Syndrome Type IV; Ehlers-Danlos syndrome vascular type; Ehlers Danlos syndrome, ecchymotic type; Ehlers Danlos syndrome, arterial type; Ehlers Danlos syndrome, Sack-Barabas type. Identifiers: Orphanet 286, MedGen C0268338, MONDO:0017314, OMIM 130050.

Allele frequency attached by ClinVar (database versions not stated): gnomAD exomes below 0.00001; ExAC 0.00001.
gnomAD v4.1: 2 of 1,614,060 alleles (0.00012%); highest among the groups gnomAD compares: Non-Finnish European, 0.00017%; no homozygotes.

Submissions (2):

All of Us Research Program, National Institutes of Health
Classification: Uncertain significance for Ehlers-Danlos syndrome, type 4. Last evaluated: 2023-12-13. Review status: criteria provided, single submitter. Criteria: ACMG Guidelines, 2015. Collection method: clinical testing. Allele origin: germline. Inheritance: Autosomal dominant inheritance. Observed: 1 variant allele, 1 heterozygote.
Comment: This missense variant replaces proline with serine at codon 1141 of the COL3A1 protein. Computational prediction is inconclusive regarding the impact of this variant on protein structure and function (internally defined REVEL score threshold 0.5 < inconclusive < 0.7, PMID: 27666373). To our knowledge, functional studies have not been reported for this variant. This variant has not been reported in individuals affected with COL3A1-related disorders in the literature. This variant has been identified in 1/251098 chromosomes in the general population by the Genome Aggregation Database (gnomAD). The available evidence is insufficient to determine the role of this variant in disease conclusively. Therefore, this variant is classified as a Variant of Uncertain Significance.

This study involves interpretation of variants in research participants for the purpose of population health screening. Participant phenotype was not available at the time of variant classification. Additional details can be found in publication PMID: 35346344, PMCID: PMC8962531

Color Diagnostics, LLC DBA Color Health
Classification: Uncertain significance for Familial thoracic aortic aneurysm and aortic dissection. Last evaluated: 2023-11-08. Review status: criteria provided, single submitter. Criteria: ACMG Guidelines, 2015. Collection method: clinical testing. Allele origin: germline.
Comment: This missense variant replaces proline with serine at codon 1141 of the COL3A1 protein. Computational prediction is inconclusive regarding the impact of this variant on protein structure and function (internally defined REVEL score threshold 0.5 < inconclusive < 0.7, PMID: 27666373). To our knowledge, functional studies have not been reported for this variant. This variant has not been reported in individuals affected with COL3A1-related disorders in the literature. This variant has been identified in 1/251098 chromosomes in the general population by the Genome Aggregation Database (gnomAD). The available evidence is insufficient to determine the role of this variant in disease conclusively. Therefore, this variant is classified as a Variant of Uncertain Significance.

NM_000090.4(COL3A1):c.3421C>T (p.Pro1141Ser)

Gene: COL3A1 (collagen type III alpha 1 chain; plus strand). Cytogenetic location: 2q32.2.
Variant type: single nucleotide variant.
Coding change: c.3421C>T on transcript NM_000090.4 (MANE Select); coding-DNA position 3421, C replaced by T.
Protein change: p.Pro1141Ser; replaces proline 1141 with serine.
Molecular consequence: missense variant.
Genome position (GRCh38, 1-based): chr2:189,008,038, C>T. VCF-style: chr2-189008038-C-T. GRCh37 (hg19) VCF-style: chr2-189872764-C-T.
Other names: short protein forms P1141S.
Identifiers: ClinVar variation 3074867 (VCV003074867.2), dbSNP rs769386080, ClinGen allele CA076121.